The following is an entry in ClinVar:

NM_003737.4(DCHS1):c.9325G>C (p.Glu3109Gln)

Gene: DCHS1 (dachsous cadherin-related 1; minus strand). Cytogenetic location: 11p15.4.
Variant type: single nucleotide variant.
Coding change: c.9325G>C on transcript NM_003737.4 (MANE Select); coding-DNA position 9325, G replaced by C.
Protein change: p.Glu3109Gln; replaces glutamic acid 3109 with glutamine.
Molecular consequence: missense variant.
Genome position (GRCh38, 1-based): chr11:6,622,351, C>G on the plus strand (G>C on the coding strand, the complement: DCHS1 is on the minus strand). VCF-style: chr11-6622351-C-G. GRCh37 (hg19) VCF-style: chr11-6643582-C-G.
Other names: c.9325G>C (NM_003737.3); short protein forms E3109Q.
Identifiers: ClinVar variation 2482744 (VCV002482744.4), dbSNP rs751726201, ClinGen allele CA5859285.
Genomic context (GRCh38, chr11:6,622,351, plus strand): 5'-GTGCAGGGCTCAGGCCACAGCCCCCCAGGAAGGCTGTGGCAGTGGCTGGGGGCCCCTCCT[C>G]TCTGTAGAGAGTGGCTCCTGCACCTGGCAGCAGCAGCCCTGCCTTTCGGCCCTTATACCA-3'
Protein context (NP_003728.1, residues 3099-3119): LPGAGATLYR[Glu3109Gln]EGPPATATAF

ClinVar aggregate classification (germline): Uncertain significance. Review status: criteria provided, single submitter (1 of 4 stars). 2 submissions from 2 submitters: Uncertain significance (1). 1 of the submissions does not count toward it. Last evaluated 2025-06-03.

Conditions:
Inborn genetic diseases. Identifiers: MedGen C0950123, MeSH D030342.
DCHS1-related disorder. Also called: DCHS1-related condition.

Allele frequency attached by ClinVar (database versions not stated): gnomAD exomes 0.00001; ExAC 0.00002; gnomAD 0.00009; TOPMed 0.00011.
gnomAD v4.1: 27 of 1,591,546 alleles (0.0017%); highest among the groups gnomAD compares: African/African-American, 0.035%; no homozygotes.

Submissions (2):

Ambry Genetics
Classification: Uncertain significance for Inborn genetic diseases. Last evaluated: 2025-06-03. Review status: criteria provided, single submitter. Criteria: Ambry Variant Classification Scheme 2023. Collection method: clinical testing. Allele origin: germline.

PreventionGenetics, part of Exact Sciences
Classification: Uncertain significance for DCHS1-related condition. Last evaluated: 2024-05-11. Review status: no assertion criteria provided. Collection method: clinical testing. Allele origin: germline. Not counted in ClinVar's aggregate classification.
Comment: The DCHS1 c.9325G>C variant is predicted to result in the amino acid substitution p.Glu3109Gln. To our knowledge, this variant has not been reported in the literature. This variant is reported in 0.025% of alleles in individuals of African descent in gnomAD. At this time, the clinical significance of this variant is uncertain due to the absence of conclusive functional and genetic evidence.